The following is an entry in ClinVar:

NC_000023.10:g.(?_106871739)_(106894257_?)dup

Gene: PRPS1 (phosphoribosyl pyrophosphate synthetase 1; plus strand). Cytogenetic location: Xq22.3.
Variant type: Duplication.
Identifiers: ClinVar variation 4687255 (VCV004687255.1).

ClinVar aggregate classification (germline): Uncertain significance (1 of 4 stars; one submission).

Submission:

Women's Health and Genetics/Laboratory Corporation of America, LabCorp
Classification: Uncertain significance. Last evaluated: 2025-10-16. Review status: criteria provided, single submitter. Criteria: LabCorp Variant Classification Summary - May 2015. Collection method: clinical testing. Allele origin: germline.
Comment: Variant summary: The variant involves the duplication of exons 1-7 in the PRPS1 gene. This duplication includes the entire coding sequence of the gene. As exact breakpoints are unknown, it may extend beyond the annotated region of the gene, to include other flanking genes. A presumed nomenclature of c.(?_-120)_(*995_?)dup has been designated for the purposes of this classification. The variant was absent in 16120 control chromosomes. The available data on variant occurrences in the general population are insufficient to allow any conclusion about variant significance. To our knowledge, no occurrence of c.(?_-120)_(*995_?)dup in individuals affected with PRPS1-related conditions and no experimental evidence demonstrating its impact on protein function have been reported. ClinVar contains an entry for this variant (Variation ID: 649058). Based on the evidence outlined above, the variant was classified as uncertain significance.